The following is an entry in ClinVar:

ClinVar aggregate classification (germline): Likely benign (0 of 4 stars; one submission).

Conditions:
ESRP2-related disorder. Also called: ESRP2-related condition.

Allele frequency attached by ClinVar (database versions not stated): gnomAD exomes 0.00003; ExAC 0.00010; ESP Exome Variant Server 0.00015; gnomAD 0.00041; TOPMed 0.00050.
gnomAD v4.1: 107 of 1,614,048 alleles (0.0066%); highest among the groups gnomAD compares: African/African-American, 0.13%; no homozygotes.

Submission:

PreventionGenetics, part of Exact Sciences
Classification: Likely benign for ESRP2-related condition. Last evaluated: 2019-06-11. Review status: no assertion criteria provided. Collection method: clinical testing. Allele origin: germline.
Comment: This variant is classified as likely benign based on ACMG/AMP sequence variant interpretation guidelines (Richards et al. 2015 PMID: 25741868, with internal and published modifications).

NM_024939.3(ESRP2):c.955-4A>G

Gene: ESRP2 (epithelial splicing regulatory protein 2; minus strand). Cytogenetic location: 16q22.1.
Variant type: single nucleotide variant.
Coding change: c.955-4A>G on transcript NM_024939.3 (MANE Select); 4 bases into the intron before coding-DNA position 955, A replaced by G.
Molecular consequence: intron variant.
Genome position (GRCh38, 1-based): chr16:68,232,292, T>C on the plus strand (A>G on the coding strand, the complement: ESRP2 is on the minus strand). VCF-style: chr16-68232292-T-C. GRCh37 (hg19) VCF-style: chr16-68266195-T-C.
Other names: c.955-4A>G (NM_001365265.1); c.985-4A>G (NM_001365264.1).
Identifiers: ClinVar variation 3033846 (VCV003033846.2), dbSNP rs369190167, ClinGen allele CA8125389.
Genomic context (GRCh38, chr16:68,232,292, plus strand): 5'-TGCAGTATACTCACCCCCTGCAATCTTTACAAACTCCTCCCCTGTCGCTTTATACACCTG[T>C]GGGTACAGAGAGCAGCAGCCCATGGGTCTCAGGCCTGACTCAGATTGGCCCTGCTCCGCT-3'